The following is an entry in ClinVar:

ClinVar aggregate classification (germline): Uncertain significance (1 of 4 stars; one submission).

Conditions:
Familial cold autoinflammatory syndrome 2 (FCAS2). Identifiers: Orphanet 247868, MedGen C2673198, MONDO:0012724, OMIM 611762.

Submission:

Labcorp Genetics (formerly Invitae), Labcorp
Classification: Uncertain significance for Familial cold autoinflammatory syndrome 2. Last evaluated: 2023-11-03. Review status: criteria provided, single submitter. Criteria: Invitae Variant Classification Sherloc (09022015). Collection method: clinical testing. Allele origin: germline.
Comment: This sequence change replaces threonine, which is neutral and polar, with isoleucine, which is neutral and non-polar, at codon 412 of the NLRP12 protein (p.Thr412Ile). This variant is not present in population databases (gnomAD no frequency). This variant has not been reported in the literature in individuals affected with NLRP12-related conditions. Advanced modeling of protein sequence and biophysical properties (such as structural, functional, and spatial information, amino acid conservation, physicochemical variation, residue mobility, and thermodynamic stability) performed at Invitae indicates that this missense variant is expected to disrupt NLRP12 protein function with a positive predictive value of 80%. In summary, the available evidence is currently insufficient to determine the role of this variant in disease. Therefore, it has been classified as a Variant of Uncertain Significance.

NM_144687.4(NLRP12):c.1235C>T (p.Thr412Ile)

Gene: NLRP12 (NLR family pyrin domain containing 12; minus strand). Cytogenetic location: 19q13.42.
Variant type: single nucleotide variant.
Coding change: c.1235C>T on transcript NM_144687.4 (MANE Select); coding-DNA position 1235, C replaced by T.
Protein change: p.Thr412Ile; replaces threonine 412 with isoleucine.
Molecular consequence: missense variant.
Genome position (GRCh38, 1-based): chr19:53,810,424, G>A on the plus strand (C>T on the coding strand, the complement: NLRP12 is on the minus strand). VCF-style: chr19-53810424-G-A. GRCh37 (hg19) VCF-style: chr19-54313678-G-A.
Other names: c.1235C>T, p.Thr412Ile (NM_001277126.2, NM_001277129.1); short protein forms T412I.
Identifiers: ClinVar variation 2693064 (VCV002693064.3), dbSNP rs771071667, ClinGen allele CA9639488.